The following is an entry in ClinVar:

ClinVar aggregate classification (germline): Likely benign (1 of 4 stars; one submission).

Allele frequency attached by ClinVar (database versions not stated): 1000 Genomes Project 0.00339; 1000 Genomes Project 30x 0.00359; ESP Exome Variant Server 0.00500; gnomAD 0.00554; ExAC 0.00564; TOPMed 0.00645.
gnomAD v4.1: 11,198 of 1,575,728 alleles (0.71%); highest among the groups gnomAD compares: Middle Eastern, 0.84%; 71 homozygotes.

Submissions (6):

CeGaT Center for Human Genetics Tuebingen
Classification: Likely benign. Last evaluated: 2023-01-01. Review status: criteria provided, single submitter. Criteria: CeGaT Center For Human Genetics Tuebingen Variant Classification Criteria Version 2. Collection method: clinical testing. Allele origin: germline. Affected: yes. Observed: 2 variant alleles.
Comment: CCDC178: BS2

Dr. Peter K. Rogan Lab, Western University
No classification provided (evidence only). Condition: Clear cell carcinoma of kidney. Review status: no classification provided. Collection method: in vitro. Allele origin: not applicable. Functional consequence: retained intron. Not counted in ClinVar's aggregate classification.

Dr. Peter K. Rogan Lab, Western University
No classification provided (evidence only). Condition: Lung cancer. Review status: no classification provided. Collection method: in vitro. Allele origin: not applicable. Functional consequence: retained intron. Not counted in ClinVar's aggregate classification.

Dr. Peter K. Rogan Lab, Western University
No classification provided (evidence only). Condition: Familial cancer of breast. Review status: no classification provided. Collection method: in vitro. Allele origin: not applicable. Functional consequence: retained intron. Not counted in ClinVar's aggregate classification.

Dr. Peter K. Rogan Lab, Western University
No classification provided (evidence only). Condition: Thymoma. Review status: no classification provided. Collection method: in vitro. Allele origin: not applicable. Functional consequence: retained intron. Not counted in ClinVar's aggregate classification.

Dr. Peter K. Rogan Lab, Western University
No classification provided (evidence only). Condition: Gastric cancer. Review status: no classification provided. Collection method: in vitro. Allele origin: not applicable. Functional consequence: retained intron. Not counted in ClinVar's aggregate classification.

NM_001105528.4(CCDC178):c.348G>A (p.Arg116=)

Gene: CCDC178 (coiled-coil domain containing 178; minus strand). Cytogenetic location: 18q12.1.
Variant type: single nucleotide variant.
Coding change: c.348G>A on transcript NM_001105528.4 (MANE Select); coding-DNA position 348, G replaced by A.
Protein change: p.Arg116=; no amino-acid change (arginine 116 retained).
Molecular consequence: synonymous variant.
Genome position (GRCh38, 1-based): chr18:33,370,050, C>T on the plus strand (G>A on the coding strand, the complement: CCDC178 is on the minus strand). VCF-style: chr18-33370050-C-T. GRCh37 (hg19) VCF-style: chr18-30950014-C-T.
Other names: NC_000018.9:g.30950014C>T; c.348G>A, p.Arg116= (NM_001308126.3, NM_001371120.1, NM_001371121.1 and 1 more transcripts).
Identifiers: ClinVar variation 2648636 (VCV002648636.25), dbSNP rs147462915, ClinGen allele CA8933294.
Genomic context (GRCh38, chr18:33,370,050, plus strand): 5'-CAATCCTTAGAGGGTCGATAAAGCTTACCAAAATATCAGCATTTTAAATTAGTCTCTTAC[C>T]CTTTTCAAATGCTCCTGTATTTTGGACTCCACATCTTGGATGTGTGAAATCATTTTGTTG-3'
Protein context (NP_001098998.1, residues 106-126): VESKIQEHLK[Arg116=]FETSFEEWSR